The following is an entry in ClinVar:

ClinVar aggregate classification (germline): Uncertain significance (1 of 4 stars; one submission).

Conditions:
Cardiovascular phenotype. Identifiers: MedGen CN230736.

Submission:

Ambry Genetics
Classification: Uncertain significance for Cardiovascular phenotype. Last evaluated: 2023-12-21. Review status: criteria provided, single submitter. Criteria: Ambry Variant Classification Scheme 2023. Collection method: clinical testing. Allele origin: germline.
Comment: The p.V297G variant (also known as c.890T>G), located in coding exon 7 of the PRKAG2 gene, results from a T to G substitution at nucleotide position 890. The valine at codon 297 is replaced by glycine, an amino acid with dissimilar properties. This amino acid position is conserved. In addition, this alteration is predicted to be deleterious by in silico analysis. Since supporting evidence is limited at this time, the clinical significance of this alteration remains unclear.

NM_016203.4(PRKAG2):c.890T>G (p.Val297Gly)

Gene: PRKAG2 (protein kinase AMP-activated non-catalytic subunit gamma 2; minus strand). Cytogenetic location: 7q36.1.
Variant type: single nucleotide variant.
Coding change: c.890T>G on transcript NM_016203.4 (MANE Select); coding-DNA position 890, T replaced by G.
Protein change: p.Val297Gly; replaces valine 297 with glycine.
Molecular consequence: missense variant.
Genome position (GRCh38, 1-based): chr7:151,576,427, A>C on the plus strand (T>G on the coding strand, the complement: PRKAG2 is on the minus strand). VCF-style: chr7-151576427-A-C. GRCh37 (hg19) VCF-style: chr7-151273513-A-C.
Other names: c.758T>G, p.Val253Gly (NM_001040633.2, NM_001407024.1); c.515T>G, p.Val172Gly (NM_001304527.2, NM_001407029.1); c.167T>G, p.Val56Gly (NM_001304531.2, NM_001407034.1, NM_001407035.1 and 1 more transcripts); c.518T>G, p.Val173Gly (NM_001363698.2, NM_001407028.1); c.890T>G, p.Val297Gly (NM_001407021.1); c.887T>G, p.Val296Gly (NM_001407022.1, NM_001407023.1); c.755T>G, p.Val252Gly (NM_001407026.1, NM_001407027.1); c.602T>G, p.Val201Gly (NM_001407030.1); and 6 more; short protein forms V172G, V173G, V189G, V191G, V200G, V201G, V252G, V253G.
Identifiers: ClinVar variation 3226902 (VCV003226902.1), dbSNP rs2536413782, ClinGen allele CA370072476.